The following is an entry in ClinVar:

NM_001004127.3(ALG11):c.1307G>T (p.Gly436Val)

Genes: ALG11 (ALG11 alpha-1,2-mannosyltransferase; plus strand), UTP14C (UTP14C small subunit processome component; plus strand). Cytogenetic location: 13q14.3.
Variant type: single nucleotide variant.
Coding change: c.1307G>T on transcript NM_001004127.3 (MANE Select); coding-DNA position 1307, G replaced by T.
Protein change: p.Gly436Val; replaces glycine 436 with valine.
Molecular consequence: missense variant. On other transcripts: non-coding transcript variant (1), 5 prime UTR variant (1).
Genome position (GRCh38, 1-based): chr13:52,028,418, G>T. VCF-style: chr13-52028418-G-T. GRCh37 (hg19) VCF-style: chr13-52602554-G-T.
Other names: c.-387G>T (NM_021645.6); short protein forms G436V.
Identifiers: ClinVar variation 3255372 (VCV003255372.2), dbSNP rs1291722156.
Genomic context (GRCh38, chr13:52,028,418, plus strand): 5'-CACACAATTCGGGGGGCCCAAAGCTTGACATTGTGGTTCCTCACGAAGGAGATATAACTG[G>T]CTTTCTGGCTGAGAGTGAAGAAGACTATGCTGAAACTATCGCTCACATTCTTTCCATGTC-3'
Protein context (NP_001004127.2, residues 426-446): IVVPHEGDIT[Gly436Val]FLAESEEDYA

ClinVar aggregate classification (germline): Likely pathogenic (0 of 4 stars; one submission).

Conditions:
ALG11-congenital disorder of glycosylation. Also called: CONGENITAL DISORDER OF GLYCOSYLATION, TYPE Ip; ALG11-CDG. Identifiers: Orphanet 280071, MedGen C3150913, MONDO:0013349, OMIM 613661.

Submission:

Precision Medical Center, Wuhan Children's Hospital
Classification: Likely pathogenic for ALG11-congenital disorder of glycosylation. Review status: no assertion criteria provided. Collection method: clinical testing, in vitro. Allele origin: germline, not applicable. Inheritance: Autosomal recessive inheritance. Affected: yes. Observed: 1 compound heterozygote.
Comment: c.1307G>T(p.G436V) was classified as likely pathogenic (PM2-supporting+PP3-strong+PP4+PS3- supporting) according to the guidelines from the American College of Medical Genetics and Genomics (ACMG)。 this variant was exceedingly rare, absent in any public population database (i.e., gnomAD, ClinVar, and 1000 Genomes)(PM2-supporting). In silico analysis using multiple software programs (i.e., SIFT, Polyphen2, PROVEAN, MutationTaster, MCAP, REVEL) predicted these variants to be probably damaging to the protein structure (PP3). The genetic diagnosis was further supported by a comprehensive analysis of clinical manifestations and auxiliary examination results, confirming ALG11-CDG in the patient (PP4).

Literature cited by the submitters: PubMed 22213132.